The following is an entry in ClinVar:

ClinVar aggregate classification (germline): Benign/Likely benign. Review status: criteria provided, multiple submitters, no conflicts (2 of 4 stars). 3 submissions from 3 submitters: Benign (1); Likely benign (2). Last evaluated 2025-01-21.

Conditions:
Hereditary cancer-predisposing syndrome. Also called: Neoplastic Syndromes, Hereditary; Tumor predisposition; Hereditary Cancer Syndrome; Hereditary neoplastic syndrome. Identifiers: Orphanet 140162, MedGen C0027672, MeSH D009386, MONDO:0015356.
Renal cell carcinoma. Identifiers: Orphanet 217071, MedGen C0007134, MeSH D002292, MONDO:0005086, HP:0005584.
Papillary renal cell carcinoma type 1 (RCCP1). Also called: RENAL CELL CARCINOMA, PAPILLARY, 1, SOMATIC; Renal adenocarcinoma; Renal cell carcinoma 1; Renal cell carcinoma, somatic. Identifiers: Orphanet 47044, MedGen C1336839, OMIM 605074, HP:0011797.

Submissions (3):

Labcorp Genetics (formerly Invitae), Labcorp
Classification: Likely benign for Renal cell carcinoma. Last evaluated: 2025-01-21. Review status: criteria provided, single submitter. Criteria: Invitae Variant Classification Sherloc (09022015). Collection method: clinical testing. Allele origin: germline.

Myriad Genetics, Inc.
Classification: Benign for Papillary renal cell carcinoma type 1. Last evaluated: 2024-11-11. Review status: criteria provided, single submitter. Criteria: Myriad Autosomal Dominant, Autosomal Recessive and X-Linked Classification Criteria (2023). Collection method: clinical testing. Allele origin: unknown.
Comment: This variant is considered benign. This variant is a silent/synonymous amino acid change and it is not expected to impact splicing.

Ambry Genetics
Classification: Likely benign for Hereditary cancer-predisposing syndrome. Last evaluated: 2019-06-27. Review status: criteria provided, single submitter. Criteria: Ambry Variant Classification Scheme 2023. Collection method: clinical testing. Allele origin: germline.

NM_000245.4(MET):c.2409T>C (p.Thr803=)

Gene: MET (MET proto-oncogene, receptor tyrosine kinase; plus strand). Cytogenetic location: 7q31.2.
Variant type: single nucleotide variant.
Coding change: c.2409T>C on transcript NM_000245.4 (MANE Select); coding-DNA position 2409, T replaced by C.
Protein change: p.Thr803=; no amino-acid change (threonine 803 retained).
Molecular consequence: synonymous variant.
Genome position (GRCh38, 1-based): chr7:116,763,094, T>C. VCF-style: chr7-116763094-T-C. GRCh37 (hg19) VCF-style: chr7-116403148-T-C.
Other names: c.2463T>C, p.Thr821= (NM_001127500.3); c.2409T>C, p.Thr803= (NM_001324401.3); c.1119T>C, p.Thr373= (NM_001324402.2).
Identifiers: ClinVar variation 821319 (VCV000821319.14), dbSNP rs1584946860, ClinGen allele CA457441655.
Genomic context (GRCh38, chr7:116,763,094, plus strand): 5'-TTGTGTCTTTCTCTAGGCATGTCAACATCGCTCTAATTCAGAGATAATCTGTTGTACCAC[T>C]CCTTCCCTGCAACAGCTGAATCTGCAACTCCCCCTGAAAACCAAAGCCTTTTTCATGTTA-3'
Protein context (NP_000236.2, residues 793-813): RSNSEIICCT[Thr803=]PSLQQLNLQL